The following is an entry in ClinVar:

ClinVar aggregate classification (germline): Pathogenic. Review status: criteria provided, multiple submitters, no conflicts (2 of 4 stars). 2 submissions from 2 submitters: Pathogenic (2). Last evaluated 2025-06-03.

Conditions:
Osteogenesis imperfecta type I (OI1). Also called: Classic Non-deforming Osteogenesis Imperfecta with Blue Sclerae; OI, TYPE I; OSTEOGENESIS IMPERFECTA TARDA; OSTEOGENESIS IMPERFECTA WITH BLUE SCLERAE; Osteogenesis imperfecta type 1; Lobstein's Disease. Identifiers: Orphanet 216796, Orphanet 666, MedGen C0023931, MONDO:0008146, OMIM 166200. Disease mechanism: loss of function.

Submissions (2):

Labcorp Genetics (formerly Invitae), Labcorp
Classification: Pathogenic for Osteogenesis imperfecta type I. Last evaluated: 2025-06-03. Review status: criteria provided, single submitter. Criteria: Invitae Variant Classification Sherloc (09022015). Collection method: clinical testing. Allele origin: germline.
Comment: This sequence change affects a donor splice site in intron 9 of the COL1A1 gene. It is expected to disrupt RNA splicing. Variants that disrupt the donor or acceptor splice site typically lead to a loss of protein function (PMID: 16199547), and loss-of-function variants in COL1A1 are known to be pathogenic (PMID: 7942841, 9295084, 9443882). This variant is not present in population databases (gnomAD no frequency). Disruption of this splice site has been observed in individuals with osteogenesis imperfecta (PMID: 25963598, 30715774; internal data). ClinVar contains an entry for this variant (Variation ID: 1368267). Algorithms developed to predict the effect of sequence changes on RNA splicing suggest that this variant may disrupt the consensus splice site. For these reasons, this variant has been classified as Pathogenic.

Clinical Genetics Service, Universitary Hospital 12 de Octubre
Classification: Pathogenic for Osteogenesis imperfecta type I. Review status: criteria provided, single submitter. Criteria: ACMG Guidelines, 2015. Collection method: clinical testing. Allele origin: germline. Affected: yes.

Literature cited by the submitters: PubMed 16199547 (cited by Labcorp Genetics (formerly Invitae), Labcorp); PubMed 7942841 (cited by Labcorp Genetics (formerly Invitae), Labcorp); PubMed 9295084 (cited by Labcorp Genetics (formerly Invitae), Labcorp); PubMed 9443882 (cited by Labcorp Genetics (formerly Invitae), Labcorp); PubMed 25963598 (cited by Labcorp Genetics (formerly Invitae), Labcorp); PubMed 30715774 (cited by Labcorp Genetics (formerly Invitae), Labcorp).

NM_000088.4(COL1A1):c.696+1G>A

Gene: COL1A1 (collagen type I alpha 1 chain; minus strand). Cytogenetic location: 17q21.33.
Variant type: single nucleotide variant.
Coding change: c.696+1G>A on transcript NM_000088.4 (MANE Select); the canonical splice donor site of the intron after coding-DNA position 696, G replaced by A.
Molecular consequence: splice donor variant.
Genome position (GRCh38, 1-based): chr17:50,197,731, C>T on the plus strand (G>A on the coding strand, the complement: COL1A1 is on the minus strand). VCF-style: chr17-50197731-C-T. GRCh37 (hg19) VCF-style: chr17-48275092-C-T.
Other names: c.696+1G>A (NM_000088.3).
Identifiers: ClinVar variation 1368267 (VCV001368267.7), dbSNP rs2144585785, ClinGen allele CA400224494.